The following is an entry in ClinVar:

NM_012309.5(SHANK2):c.1216C>A (p.Arg406=)

Gene: SHANK2 (SH3 and multiple ankyrin repeat domains 2; minus strand). Cytogenetic location: 11q13.4.
Variant type: single nucleotide variant.
Coding change: c.1216C>A on transcript NM_012309.5 (MANE Select); coding-DNA position 1216, C replaced by A.
Protein change: p.Arg406=; no amino-acid change (arginine 406 retained).
Molecular consequence: synonymous variant.
Genome position (GRCh38, 1-based): chr11:70,820,641, G>T on the plus strand (C>A on the coding strand, the complement: SHANK2 is on the minus strand). VCF-style: chr11-70820641-G-T. GRCh37 (hg19) VCF-style: chr11-70666746-G-T.
Other names: c.79C>A, p.Arg27= (NM_001379226.1, NM_001441040.1, NM_001441041.1); c.1387C>A, p.Arg463= (NM_001441024.1); c.1216C>A, p.Arg406= (NM_001441025.1, NM_001441026.1, NM_001441027.1 and 11 more transcripts); c.1144C>A, p.Arg382= (NM_001441038.1).
Identifiers: ClinVar variation 5041432 (VCV005041432.1).

ClinVar aggregate classification (germline): Likely benign (1 of 4 stars; one submission).

gnomAD v4.1: 15 of 707,188 alleles (0.0021%); highest among the groups gnomAD compares: Admixed American, 0.029%; no homozygotes.

Submission:

CeGaT Center for Human Genetics Tuebingen
Classification: Likely benign. Last evaluated: 2026-09-01. Review status: criteria provided, single submitter. Criteria: CeGaT Center For Human Genetics Tuebingen Variant Classification Criteria Version 2. Collection method: clinical testing. Allele origin: germline. Affected: yes. Observed: 1 variant allele.
Comment: SHANK2: BP4, BP7